The following is an entry in ClinVar:

NM_002234.4(KCNA5):c.182_195del (p.Asp61fs)

Gene: KCNA5 (potassium voltage-gated channel subfamily A member 5; plus strand). Cytogenetic location: 12p13.32.
Variant type: Deletion.
Coding change: c.182_195del on transcript NM_002234.4 (MANE Select); coding-DNA positions 182 to 195, 14 bases deleted (ACTCGGGAGTGCGG).
Protein change: p.Asp61fs; shifts the reading frame from aspartic acid 61.
Molecular consequence: frameshift variant.
Genome position (GRCh38, 1-based): chr12:5,044,329-5,044,342, ACTCGGGAGTGCGG deleted; deleting any 14 consecutive bases within chr12:5,044,325-5,044,342 gives the same sequence; the c. name uses the placement nearest the transcript's 3' end. VCF-style (leftmost placement, unchanged base first): chr12-5044324-CGCGGACTCGGGAGT-C. GRCh37 (hg19) VCF-style: chr12-5153490-CGCGGACTCGGGAGT-C.
Other names: c.182_195del14 (NM_002234.4); short protein forms D61fs.
Identifiers: ClinVar variation 4847464 (VCV004847464.1).

ClinVar aggregate classification (germline): Uncertain significance (1 of 4 stars; one submission).

Submission:

Women's Health and Genetics/Laboratory Corporation of America, LabCorp
Classification: Uncertain significance. Last evaluated: 2026-03-05. Review status: criteria provided, single submitter. Criteria: LabCorp Variant Classification Summary - May 2015. Collection method: clinical testing. Allele origin: germline.
Comment: Variant summary: KCNA5 c.182_195del14 (p.Asp61AlafsX67) results in a premature termination codon in the only exon, predicted to cause a truncation of the encoded protein, however, nonsense mediated decay is not expected to occur and current evidence is not sufficient to establish loss of function as a mechanism for disease. The variant was absent in 153174 control chromosomes. The available data on variant occurrences in the general population are insufficient to allow any conclusion about variant significance. To our knowledge, no occurrence of c.182_195del14 in individuals affected with KCNA5-related conditions and no experimental evidence demonstrating its impact on protein function have been reported. No submitters have cited clinical-significance assessments for this variant to ClinVar. Based on the evidence outlined above, the variant was classified as uncertain significance.